The following is an entry in ClinVar:

ClinVar aggregate classification (germline): Likely benign. Review status: criteria provided, multiple submitters, no conflicts (2 of 4 stars). 4 submissions from 4 submitters: Likely benign (3). 1 of the submissions does not count toward it. Last evaluated 2025-12-24.

Conditions:
IMPDH1-related disorder. Also called: IMPDH1-related disorders; IMPDH1-related condition.

Allele frequency attached by ClinVar (database versions not stated): gnomAD 0.00004; ExAC 0.00005; gnomAD exomes 0.00005; TOPMed 0.00005; ESP Exome Variant Server 0.00008; 1000 Genomes Project 0.00020; 1000 Genomes Project 30x 0.00031.
gnomAD v4.1: 102 of 1,613,908 alleles (0.0063%); highest among the groups gnomAD compares: Middle Eastern, 0.066%; no homozygotes.

Submissions (4):

Labcorp Genetics (formerly Invitae), Labcorp
Classification: Likely benign. Last evaluated: 2025-12-24. Review status: criteria provided, single submitter. Criteria: Invitae Variant Classification Sherloc (09022015). Collection method: clinical testing. Allele origin: germline.

Blueprint Genetics
Classification: Likely benign. Last evaluated: 2024-10-24. Review status: criteria provided, single submitter. Criteria: ACMG Guidelines, 2015. Collection method: clinical testing. Allele origin: germline.

Breakthrough Genomics
Classification: Likely benign. Review status: criteria provided, single submitter. Criteria: ACMG Guidelines, 2015. Collection method: not provided. Allele origin: germline. Inheritance: Autosomal dominant inheritance. Affected: yes.

PreventionGenetics, part of Exact Sciences
Classification: Likely benign for IMPDH1-related condition. Last evaluated: 2019-06-21. Review status: no assertion criteria provided. Collection method: clinical testing. Allele origin: germline. Not counted in ClinVar's aggregate classification.
Comment: This variant is classified as likely benign based on ACMG/AMP sequence variant interpretation guidelines (Richards et al. 2015 PMID: 25741868, with internal and published modifications).

NM_000883.4(IMPDH1):c.1406-9C>T

Gene: IMPDH1 (inosine monophosphate dehydrogenase 1; minus strand). Cytogenetic location: 7q32.1.
Variant type: single nucleotide variant.
Coding change: c.1406-9C>T on transcript NM_000883.4 (MANE Select); 9 bases into the intron before coding-DNA position 1406, C replaced by T.
Molecular consequence: intron variant.
Genome position (GRCh38, 1-based): chr7:128,395,042, G>A on the plus strand (C>T on the coding strand, the complement: IMPDH1 is on the minus strand). VCF-style: chr7-128395042-G-A. GRCh37 (hg19) VCF-style: chr7-128035096-G-A.
Other names: c.1199-9C>T (NM_001304521.2); c.1298-9C>T (NM_183243.3); c.1376-9C>T (NM_001102605.2); c.1307-9C>T (NM_001142576.2); c.1076-9C>T (NM_001142575.2); c.1136-9C>T (NM_001142574.2); c.1151-9C>T (NM_001142573.2).
Identifiers: ClinVar variation 718188 (VCV000718188.14), dbSNP rs200403236, ClinGen allele CA4470835.
Genomic context (GRCh38, chr7:128,395,042, plus strand): 5'-AAGTACTCGCCAGGGGCCTCCGTAGTGGCGGCCAGCAGGGAGCCCATCATCACTACAGTG[G>A]GCAAGGGATTAGTGCCTCCAGCCCACTAGTGCCACCCCCCCAGCTTCCAGCCCTCGCCTG-3'